The following is an entry in ClinVar:

NM_001203.3(BMPR1B):c.*196A>G

Gene: BMPR1B (bone morphogenetic protein receptor type 1B; plus strand). Cytogenetic location: 4q22.3.
Variant type: single nucleotide variant.
Coding change: c.*196A>G on transcript NM_001203.3 (MANE Select); 196 bases downstream of the stop codon, A replaced by G.
Molecular consequence: 3 prime UTR variant.
Genome position (GRCh38, 1-based): chr4:95,154,869, A>G. VCF-style: chr4-95154869-A-G. GRCh37 (hg19) VCF-style: chr4-96076020-A-G.
Other names: c.*196A>G (NM_001256792.2, NM_001256793.2, NM_001256794.1).
Identifiers: ClinVar variation 350133 (VCV000350133.7), dbSNP rs1836261, ClinGen allele CA10621996.

ClinVar aggregate classification (germline): Benign. Review status: criteria provided, multiple submitters, no conflicts (2 of 4 stars). 3 submissions from 3 submitters: Benign (3). Last evaluated 2018-09-04.

Conditions:
Brachydactyly. Also called: Brachydactyly syndrome; Brachydactyly (disease). Identifiers: MedGen C0221357, MONDO:0021004, HP:0001156.

Allele frequency attached by ClinVar (database versions not stated): gnomAD exomes 0.58573; 1000 Genomes Project 0.59285; 1000 Genomes Project 30x 0.59697; gnomAD 0.63920 and 0.64776; TOPMed 0.65469.
gnomAD v4.1: 406,521 of 679,040 alleles (60%); highest among the groups gnomAD compares: African/African-American, 74%; 124,008 homozygotes.

Submissions (3):

GeneDx
Classification: Benign. Last evaluated: 2018-09-04. Review status: criteria provided, single submitter. Criteria: GeneDx Variant Classification Process June 2021. Collection method: clinical testing. Allele origin: germline. Affected: yes.

Illumina Laboratory Services, Illumina
Classification: Benign for Brachydactyly. Last evaluated: 2018-01-13. Review status: criteria provided, single submitter. Criteria: ICSL Variant Classification Criteria 13 December 2019. Collection method: clinical testing. Allele origin: germline.
Comment: This variant was observed in the ICSL laboratory as part of a predisposition screen in an ostensibly healthy population. It had not been previously curated by ICSL or reported in the Human Gene Mutation Database (HGMD: prior to June 1st, 2018), and was therefore a candidate for classification through an automated scoring system. Utilizing variant allele frequency, disease prevalence and penetrance estimates, and inheritance mode, an automated score was calculated to assess if this variant is too frequent to cause the disease. Based on the score and internal cut-off values, a variant classified as benign is not then subjected to further curation. The score for this variant resulted in a classification of benign for this disease.

Breakthrough Genomics
Classification: Benign. Review status: criteria provided, single submitter. Criteria: ACMG Guidelines, 2015. Collection method: not provided. Allele origin: germline. Inheritance: Autosomal recessive inheritance. Affected: yes.